The following is an entry in ClinVar:

NM_003611.3(OFD1):c.431dup (p.Leu144fs)

Gene: OFD1 (OFD1 centriole and centriolar satellite protein; plus strand). Cytogenetic location: Xp22.2.
Variant type: Duplication.
Coding change: c.431dup on transcript NM_003611.3 (MANE Select); coding-DNA position 431, one base duplicated (T; older notation c.431dupT).
Protein change: p.Leu144fs; shifts the reading frame from leucine 144.
Molecular consequence: frameshift variant.
Genome position (GRCh38, 1-based): chrX:13,744,433, T duplicated; the last of 6 consecutive T bases (chrX:13,744,428-13,744,433); duplicating any one gives the same sequence. VCF-style (leftmost placement, unchanged base first): chrX-13744427-A-AT. GRCh37 (hg19) VCF-style: chrX-13762546-A-AT.
Other names: c.431dup (NM_003611.2); c.431dupT (NM_003611.2); c.431dup, p.Leu144fs (NM_001330209.2); c.11dup, p.Leu4fs (NM_001330210.2); short protein forms L4fs, L144fs.
Identifiers: ClinVar variation 41123 (VCV000041123.5), dbSNP rs312262834, ClinGen allele CA344018.

ClinVar aggregate classification (germline): Pathogenic. Review status: criteria provided, multiple submitters, no conflicts (2 of 4 stars). 2 submissions from 2 submitters: Pathogenic (2). Last evaluated 2023-06-27.

Conditions:
Orofaciodigital syndrome I (OFD1). Also called: Papillon-Leage and Psaume Syndrome; OFDS I; Oral-Facial-Digital Syndrome Type I. Identifiers: Orphanet 2750, MedGen C1510460, MONDO:0010702, OMIM 311200.

Submissions (2):

GeneDx
Classification: Pathogenic. Last evaluated: 2023-06-27. Review status: criteria provided, single submitter. Criteria: GeneDx Variant Classification Process June 2021. Collection method: clinical testing. Allele origin: germline. Affected: yes.
Comment: Frameshift variant predicted to result in protein truncation or nonsense mediated decay in a gene for which loss of function is a known mechanism of disease; Not observed at significant frequency in large population cohorts (gnomAD); This variant is associated with the following publications: (PMID: 12119212)

Equipe Genetique des Anomalies du Developpement, Université de Bourgogne
Classification: Pathogenic for Orofaciodigital syndrome I. Last evaluated: 2020-07-15. Review status: criteria provided, single submitter. Criteria: ACMG Guidelines, 2015. Collection method: clinical testing. Allele origin: de novo. Affected: yes.